The following is an entry in ClinVar:

NM_001042492.3(NF1):c.7224A>T (p.Arg2408Ser)

Gene: NF1 (neurofibromin 1; plus strand). Cytogenetic location: 17q11.2.
Variant type: single nucleotide variant.
Coding change: c.7224A>T on transcript NM_001042492.3 (MANE Select); coding-DNA position 7224, A replaced by T.
Protein change: p.Arg2408Ser; replaces arginine 2408 with serine.
Molecular consequence: missense variant.
Genome position (GRCh38, 1-based): chr17:31,349,154, A>T. VCF-style: chr17-31349154-A-T. GRCh37 (hg19) VCF-style: chr17-29676172-A-T.
Other names: c.7161A>T, p.Arg2387Ser (NM_000267.4); short protein forms R2387S, R2408S.
Identifiers: ClinVar variation 3237920 (VCV003237920.1), dbSNP rs2508800891.

ClinVar aggregate classification (germline): Uncertain significance (1 of 4 stars; one submission).

Conditions:
Hereditary cancer-predisposing syndrome. Also called: Neoplastic Syndromes, Hereditary; Tumor predisposition; Hereditary neoplastic syndrome; Hereditary Cancer Syndrome. Identifiers: Orphanet 140162, MedGen C0027672, MeSH D009386, MONDO:0015356.
Cardiovascular phenotype. Identifiers: MedGen CN230736.

Submission:

Ambry Genetics
Classification: Uncertain significance for Cardiovascular phenotype; Hereditary cancer-predisposing syndrome. Last evaluated: 2023-12-01. Review status: criteria provided, single submitter. Criteria: Ambry Variant Classification Scheme 2023. Collection method: clinical testing. Allele origin: germline.
Comment: The p.R2387S variant (also known as c.7161A>T), located in coding exon 48 of the NF1 gene, results from an A to T substitution at nucleotide position 7161. The arginine at codon 2387 is replaced by serine, an amino acid with dissimilar properties. This amino acid position is conserved. In addition, the in silico prediction for this alteration is inconclusive. Since supporting evidence is limited at this time, the clinical significance of this alteration remains unclear.